The following is an entry in ClinVar:

NM_000038.6(APC):c.4595A>G (p.Asp1532Gly)

Gene: APC (APC regulator of Wnt signaling pathway; plus strand). Cytogenetic location: 5q22.2.
Variant type: single nucleotide variant.
Coding change: c.4595A>G on transcript NM_000038.6 (MANE Select); coding-DNA position 4595, A replaced by G.
Protein change: p.Asp1532Gly; replaces aspartic acid 1532 with glycine.
Molecular consequence: missense variant.
Genome position (GRCh38, 1-based): chr5:112,840,189, A>G. VCF-style: chr5-112840189-A-G. GRCh37 (hg19) VCF-style: chr5-112175886-A-G.
Other names: c.4595A>G, p.Asp1532Gly (NM_001127510.3, NM_001354895.2); c.4541A>G, p.Asp1514Gly (NM_001127511.3); c.4649A>G, p.Asp1550Gly (NM_001354896.2); c.4625A>G, p.Asp1542Gly (NM_001354897.2); c.4520A>G, p.Asp1507Gly (NM_001354898.2); c.4511A>G, p.Asp1504Gly (NM_001354899.2); c.4472A>G, p.Asp1491Gly (NM_001354900.2); c.4418A>G, p.Asp1473Gly (NM_001354901.2); and 5 more; short protein forms D1514G, D1532G, D1406G, D1504G, D1507G, D1431G, D1249G, D1473G.
Identifiers: ClinVar variation 411343 (VCV000411343.20), dbSNP rs904971132, ClinGen allele CA16031395.

ClinVar aggregate classification (germline): Uncertain significance. Review status: criteria provided, multiple submitters, no conflicts (2 of 4 stars). 3 submissions from 3 submitters: Uncertain significance (3). Last evaluated 2025-07-14.

Conditions:
Familial adenomatous polyposis 1 (FAP1). Also called: FAMILIAL ADENOMATOUS POLYPOSIS 1, ATTENUATED; POLYPOSIS, ADENOMATOUS INTESTINAL. Identifiers: MedGen C2713442, MONDO:0021056, OMIM 175100. Disease mechanism: loss of function.
Hereditary cancer-predisposing syndrome. Also called: Tumor predisposition; Hereditary Cancer Syndrome; Hereditary neoplastic syndrome; Neoplastic Syndromes, Hereditary. Identifiers: Orphanet 140162, MedGen C0027672, MeSH D009386, MONDO:0015356.

Allele frequency attached by ClinVar (database versions not stated): gnomAD exomes below 0.00001.
gnomAD v4.1: 4 of 1,614,220 alleles (0.00025%); highest among the groups gnomAD compares: Non-Finnish European, 0.00034%; no homozygotes.

Submissions (3):

Color Diagnostics, LLC DBA Color Health
Classification: Uncertain significance for Hereditary cancer-predisposing syndrome. Last evaluated: 2025-07-14. Review status: criteria provided, single submitter. Criteria: ACMG Guidelines, 2015. Collection method: clinical testing. Allele origin: germline.
Comment: This missense variant replaces aspartic acid with glycine at codon 1532 of the APC protein. Computational prediction suggests that this variant may not impact protein structure and function. To our knowledge, functional studies have not been reported for this variant. This variant has not been reported in individuals affected with APC-related disorders in the literature. This variant has been identified in 1/250390 chromosomes in the general population by the Genome Aggregation Database (gnomAD). The available evidence is insufficient to determine the role of this variant in disease conclusively. Therefore, this variant is classified as a Variant of Uncertain Significance.

Labcorp Genetics (formerly Invitae), Labcorp
Classification: Uncertain significance for Familial adenomatous polyposis 1. Last evaluated: 2025-06-02. Review status: criteria provided, single submitter. Criteria: Invitae Variant Classification Sherloc (09022015). Collection method: clinical testing. Allele origin: germline.
Comment: This sequence change replaces aspartic acid, which is acidic and polar, with glycine, which is neutral and non-polar, at codon 1532 of the APC protein (p.Asp1532Gly). This variant is present in population databases (no rsID available, gnomAD 0.0009%). This variant has not been reported in the literature in individuals affected with APC-related conditions. ClinVar contains an entry for this variant (Variation ID: 411343). Invitae Evidence Modeling of protein sequence and biophysical properties (such as structural, functional, and spatial information, amino acid conservation, physicochemical variation, residue mobility, and thermodynamic stability) indicates that this missense variant is not expected to disrupt APC protein function with a negative predictive value of 95%. In summary, the available evidence is currently insufficient to determine the role of this variant in disease. Therefore, it has been classified as a Variant of Uncertain Significance.

Ambry Genetics
Classification: Uncertain significance for Hereditary cancer-predisposing syndrome. Last evaluated: 2025-05-06. Review status: criteria provided, single submitter. Criteria: Ambry Variant Classification Scheme 2023. Collection method: clinical testing. Allele origin: germline.
Comment: The p.D1532G variant (also known as c.4595A>G), located in coding exon 15 of the APC gene, results from an A to G substitution at nucleotide position 4595. The aspartic acid at codon 1532 is replaced by glycine, an amino acid with similar properties. This amino acid position is well conserved in available vertebrate species. In addition, in silico predictors for this gene do not accurately predict pathogenicity. Missense alterations in APC are not a common cause of disease (Spier I et al. Genet Med. 2024 Feb;26(2):100992). Based on the available evidence, the clinical significance of this variant remains unclear.